The following is an entry in ClinVar:

NM_001017420.3(ESCO2):c.1132-7A>G

Gene: ESCO2 (establishment of sister chromatid cohesion N-acetyltransferase 2; plus strand). Cytogenetic location: 8p21.1.
Variant type: single nucleotide variant.
Coding change: c.1132-7A>G on transcript NM_001017420.3 (MANE Select); 7 bases into the intron before coding-DNA position 1132, A replaced by G.
Molecular consequence: intron variant.
Genome position (GRCh38, 1-based): chr8:27,788,840, A>G. VCF-style: chr8-27788840-A-G. GRCh37 (hg19) VCF-style: chr8-27646357-A-G.
Identifiers: ClinVar variation 21234 (VCV000021234.47), dbSNP rs80359862, ClinGen allele CA341781.
Genomic context (GRCh38, chr8:27,788,840, plus strand): 5'-AGGAACTTAATTTAGAGCTATTTGTGCTATATTTAAATGGGTTTCTTTTTTTACCCCCCA[A>G]TTATAGGACGCTGGTCAGAAACATTTTGGGGCTACTGTGTGCAAGTCTTGTGGTATGATA-3'

ClinVar aggregate classification (germline): Pathogenic/Likely pathogenic. Review status: criteria provided, multiple submitters, no conflicts (2 of 4 stars). 13 submissions from 13 submitters: Pathogenic (5); Likely pathogenic (3). 5 of the submissions do not count toward it. Last evaluated 2025-08-26.

Conditions:
ESCO2-Related Disorders. Identifiers: MedGen CN380081.
Roberts-SC phocomelia syndrome (RBS). Also called: Pseudothalidomide syndrome; Appelt-Gerken-Lenz syndrome; LONG BONE DEFICIENCIES ASSOCIATED WITH CLEFT LIP-PALATE; Hypomelia hypotrichosis facial hemangioma syndrome; ESCO2 Spectrum Disorder. Identifiers: Orphanet 3103, MedGen C0392475, MONDO:0100253, OMIM 268300.

Allele frequency attached by ClinVar (database versions not stated): ExAC 0.00002; TOPMed 0.00003; gnomAD 0.00007; ESP Exome Variant Server 0.00008.
gnomAD v4.1: 118 of 1,613,880 alleles (0.0073%); highest among the groups gnomAD compares: Non-Finnish European, 0.0096%; no homozygotes.

Submissions (13):

Natera, Inc.
Classification: Likely pathogenic for Roberts syndrome. Last evaluated: 2025-08-26. Review status: criteria provided, single submitter. Criteria: Natera Variant Classification Schema (03/2026). Collection method: clinical testing. Allele origin: germline.
Comment: The c.1132-7A>G variant in ESCO2 is an intronic variant located outside the canonical splice sites. This variant is rare in the general population with a frequency below the threshold expected for the associated phenotype(s). This variant has been observed in one or more individuals affected with the associated recessive disease, as either homozygous or compound heterozygous with a second variant (PMID: 30508616, 18411254, 16380922). Functional studies show that this variant may disrupt protein function (PMID: 16380922, 30508616). Computational prediction algorithms indicate this variant is likely to affect gene or protein function. Given the available evidence, this variant is classified as Likely Pathogenic.

Labcorp Genetics (formerly Invitae), Labcorp
Classification: Pathogenic. Last evaluated: 2025-02-21. Review status: criteria provided, single submitter. Criteria: Invitae Variant Classification Sherloc (09022015). Collection method: clinical testing. Allele origin: germline.
Comment: This sequence change falls in intron 6 of the ESCO2 gene. It does not directly change the encoded amino acid sequence of the ESCO2 protein. RNA analysis indicates that this variant induces altered splicing and may result in an absent or altered protein product. This variant is present in population databases (rs80359862, gnomAD 0.006%). This variant has been observed in individual(s) with Roberts syndrome (PMID: 16380922, 30508616). In at least one individual the data is consistent with being in trans (on the opposite chromosome) from a pathogenic variant. ClinVar contains an entry for this variant (Variation ID: 21234). Studies have shown that this variant results in a 6-nucleotide insertion, and produces a non-functional protein and/or introduces a premature termination codon (PMID: 16380922). For these reasons, this variant has been classified as Pathogenic.

GeneDx
Classification: Likely pathogenic. Last evaluated: 2024-10-30. Review status: criteria provided, single submitter. Criteria: GeneDx Variant Classification Process June 2021. Collection method: clinical testing. Allele origin: germline. Affected: yes.
Comment: RNA studies demonstrate a damaging effect: activation of a cryptic splice acceptor site leading to the addition of 6 nucleotides to the end of exon 7, predicted to result in premature termination of translation (PMID: 16380922); In silico analysis supports a deleterious effect on splicing; This variant is associated with the following publications: (PMID: 16380922, 30508616, 18411254)

Blueprint Genetics
Classification: Likely pathogenic for ESCO2-related disorders. Last evaluated: 2024-06-14. Review status: criteria provided, single submitter. Criteria: ACMG Guidelines, 2015. Collection method: clinical testing. Allele origin: germline. Affected: yes. Observed: 5 variant alleles.

Department of Pathology and Laboratory Medicine, Sinai Health System
Classification: Pathogenic for Roberts-SC phocomelia syndrome. Last evaluated: 2023-08-04. Review status: criteria provided, single submitter. Criteria: ACMG Guidelines, 2015. Collection method: research. Allele origin: germline.

Revvity Omics, Revvity
Classification: Pathogenic. Last evaluated: 2020-11-25. Review status: criteria provided, single submitter. Criteria: ACMG Guidelines, 2015. Collection method: clinical testing. Allele origin: germline.

Baylor Genetics
Classification: Pathogenic for Roberts-SC phocomelia syndrome. Last evaluated: 2019-11-13. Review status: criteria provided, single submitter. Criteria: ACMG Guidelines, 2015. Collection method: clinical testing. Allele origin: unknown. Affected: yes.
Comment: This variant was determined to be pathogenic according to ACMG Guidelines, 2015 [PMID:25741868].

Genetic Services Laboratory, University of Chicago
Classification: Pathogenic for Roberts syndrome. Last evaluated: 2013-02-08. Review status: criteria provided, single submitter. Criteria: ACMG Guidelines, 2007. Collection method: clinical testing. Allele origin: germline. Inheritance: Autosomal recessive inheritance. Affected: yes.

Clinical Laboratory Sciences Program (CLSP), King Saud bin Abdulaziz University for Health Sciences (KSAU-HS)
Classification: Likely pathogenic for Roberts-SC phocomelia syndrome. Last evaluated: 2023-04-01. Review status: no assertion criteria provided. Collection method: clinical testing. Allele origin: germline. Affected: yes. Not counted in ClinVar's aggregate classification.

Clinical Genetics DNA and cytogenetics Diagnostics Lab, Erasmus MC, Erasmus Medical Center
Classification: Pathogenic. Review status: no assertion criteria provided. Collection method: clinical testing. Allele origin: germline. Affected: yes. Study: VKGL Data-share Consensus. Not counted in ClinVar's aggregate classification.

GeneReviews
No classification provided. Condition: Roberts-SC phocomelia syndrome. Review status: no classification provided. Collection method: literature only. Allele origin: unknown. Not counted in ClinVar's aggregate classification.

Genome Diagnostics Laboratory, University Medical Center Utrecht
Classification: Pathogenic. Review status: no assertion criteria provided. Collection method: clinical testing. Allele origin: germline. Affected: yes. Study: VKGL Data-share Consensus. Not counted in ClinVar's aggregate classification.

Joint Genome Diagnostic Labs from Nijmegen and Maastricht, Radboudumc and MUMC+
Classification: Pathogenic. Review status: no assertion criteria provided. Collection method: clinical testing. Allele origin: germline. Affected: yes. Study: VKGL Data-share Consensus. Not counted in ClinVar's aggregate classification.

Literature cited by the submitters: PubMed 30508616 (cited by Natera, Inc. and Labcorp Genetics (formerly Invitae), Labcorp); PubMed 18411254 (cited by Natera, Inc.); PubMed 16380922 (cited by 3 submitters); PubMed 20301332 (cited by GeneReviews); NCBI Bookshelf NBK1153 (cited by GeneReviews).